The following is an entry in ClinVar:

NM_000301.5(PLG):c.163G>A (p.Glu55Lys)

Gene: PLG (plasminogen; plus strand). Cytogenetic location: 6q26.
Variant type: single nucleotide variant.
Coding change: c.163G>A on transcript NM_000301.5 (MANE Select); coding-DNA position 163, G replaced by A.
Protein change: p.Glu55Lys; replaces glutamic acid 55 with lysine.
Molecular consequence: missense variant.
Genome position (GRCh38, 1-based): chr6:160,706,520, G>A. VCF-style: chr6-160706520-G-A. GRCh37 (hg19) VCF-style: chr6-161127552-G-A.
Other names: c.163G>A, p.Glu55Lys (NM_001168338.1); short protein forms E55K.
Identifiers: ClinVar variation 3635344 (VCV003635344.2).

ClinVar aggregate classification (germline): Uncertain significance (1 of 4 stars; one submission).

gnomAD v4.1: 2 of 1,613,916 alleles (0.00012%); highest among the groups gnomAD compares: Non-Finnish European, 0.00017%; no homozygotes.

Submission:

Labcorp Genetics (formerly Invitae), Labcorp
Classification: Uncertain significance. Last evaluated: 2024-09-11. Review status: criteria provided, single submitter. Criteria: Invitae Variant Classification Sherloc (09022015). Collection method: clinical testing. Allele origin: germline.
Comment: This sequence change replaces glutamic acid, which is acidic and polar, with lysine, which is basic and polar, at codon 55 of the PLG protein (p.Glu55Lys). This variant is not present in population databases (gnomAD no frequency). This variant has not been reported in the literature in individuals affected with PLG-related conditions. Invitae Evidence Modeling of protein sequence and biophysical properties (such as structural, functional, and spatial information, amino acid conservation, physicochemical variation, residue mobility, and thermodynamic stability) indicates that this missense variant is not expected to disrupt PLG protein function with a negative predictive value of 95%. In summary, the available evidence is currently insufficient to determine the role of this variant in disease. Therefore, it has been classified as a Variant of Uncertain Significance.